The following is an entry in ClinVar:

NM_004036.5(ADCY3):c.3306G>A (p.Arg1102=)

Genes: ADCY3 (adenylate cyclase 3; minus strand), CENPO (centromere protein O; plus strand). Cytogenetic location: 2p23.3.
Variant type: single nucleotide variant.
Coding change: c.3306G>A on transcript NM_004036.5 (MANE Select); coding-DNA position 3306, G replaced by A.
Protein change: p.Arg1102=; no amino-acid change (arginine 1102 retained).
Molecular consequence: synonymous variant. On other transcripts: 3 prime UTR variant (4), non-coding transcript variant (3).
Genome position (GRCh38, 1-based): chr2:24,820,061, C>T on the plus strand (G>A on the coding strand, the complement: ADCY3 is on the minus strand). VCF-style: chr2-24820061-C-T. GRCh37 (hg19) VCF-style: chr2-25042930-C-T.
Other names: c.3309G>A, p.Arg1103= (NM_001320613.2); c.3372G>A, p.Arg1124= (NM_001377128.1); c.3168G>A, p.Arg1056= (NM_001377129.1); c.*47G>A (NM_001377130.1); c.2583G>A, p.Arg861= (NM_001377131.1); c.3306G>A, p.Arg1102= (NM_001377132.1); c.*743C>T (NM_001199803.3, NM_001322101.2, NM_024322.4).
Identifiers: ClinVar variation 3354825 (VCV003354825.3).

ClinVar aggregate classification (germline): Likely benign. Review status: criteria provided, single submitter (1 of 4 stars). 2 submissions from 2 submitters: Likely benign (1). 1 of the submissions does not count toward it. Last evaluated 2024-12-16.

Conditions:
ADCY3-related disorder. Also called: ADCY3-related condition.

gnomAD v4.1: 8 of 1,594,104 alleles (0.0005%); highest among the groups gnomAD compares: Non-Finnish European, 0.00068%; no homozygotes.

Submissions (2):

Labcorp Genetics (formerly Invitae), Labcorp
Classification: Likely benign. Last evaluated: 2024-12-16. Review status: criteria provided, single submitter. Criteria: Invitae Variant Classification Sherloc (09022015). Collection method: clinical testing. Allele origin: germline.

PreventionGenetics, part of Exact Sciences
Classification: Likely benign for ADCY3-related condition. Last evaluated: 2022-03-18. Review status: no assertion criteria provided. Collection method: clinical testing. Allele origin: germline. Not counted in ClinVar's aggregate classification.
Comment: This variant is classified as likely benign based on ACMG/AMP sequence variant interpretation guidelines (Richards et al. 2015 PMID: 25741868, with internal and published modifications).